The following is an entry in ClinVar:

ClinVar aggregate classification (germline): Uncertain significance. Review status: criteria provided, multiple submitters, no conflicts (2 of 4 stars). 2 submissions from 2 submitters: Uncertain significance (2). Last evaluated 2025-07-30.

Conditions:
Werner syndrome (WRN). Identifiers: Orphanet 902, MedGen C0043119, MONDO:0010196, OMIM 277700.

Allele frequency attached by ClinVar (database versions not stated): gnomAD exomes below 0.00001; gnomAD 0.00001; TOPMed 0.00002.

Submissions (2):

Labcorp Genetics (formerly Invitae), Labcorp
Classification: Uncertain significance for Werner syndrome. Last evaluated: 2025-07-30. Review status: criteria provided, single submitter. Criteria: Invitae Variant Classification Sherloc (09022015). Collection method: clinical testing. Allele origin: germline.
Comment: This sequence change replaces serine, which is neutral and polar, with alanine, which is neutral and non-polar, at codon 1234 of the WRN protein (p.Ser1234Ala). This variant is present in population databases (no rsID available, gnomAD 0.0009%). This variant has not been reported in the literature in individuals affected with WRN-related conditions. ClinVar contains an entry for this variant (Variation ID: 528142). An algorithm developed to predict the effect of missense changes on protein structure and function (PolyPhen-2) suggests that this variant is likely to be tolerated. In summary, the available evidence is currently insufficient to determine the role of this variant in disease. Therefore, it has been classified as a Variant of Uncertain Significance.

Fulgent Genetics
Classification: Uncertain significance for Werner syndrome. Last evaluated: 2024-03-09. Review status: criteria provided, single submitter. Criteria: ACMG Guidelines, 2015. Collection method: clinical testing. Allele origin: germline.

NM_000553.6(WRN):c.3700T>G (p.Ser1234Ala)

Gene: WRN (WRN RecQ like helicase; plus strand). Cytogenetic location: 8p12.
Variant type: single nucleotide variant.
Coding change: c.3700T>G on transcript NM_000553.6 (MANE Select); coding-DNA position 3700, T replaced by G.
Protein change: p.Ser1234Ala; replaces serine 1234 with alanine.
Molecular consequence: missense variant.
Genome position (GRCh38, 1-based): chr8:31,154,636, T>G. VCF-style: chr8-31154636-T-G. GRCh37 (hg19) VCF-style: chr8-31012152-T-G.
Other names: short protein forms S1234A.
Identifiers: ClinVar variation 528142 (VCV000528142.9), dbSNP rs951983679, ClinGen allele CA174911368.